The following is an entry in ClinVar:

ClinVar aggregate classification (germline): Pathogenic (1 of 4 stars; one submission).

gnomAD v4.1: 2 of 1,614,224 alleles (0.00012%); highest among the groups gnomAD compares: Non-Finnish European, 0.00017%; no homozygotes.

Submission:

Labcorp Genetics (formerly Invitae), Labcorp
Classification: Pathogenic. Last evaluated: 2024-05-14. Review status: criteria provided, single submitter. Criteria: Invitae Variant Classification Sherloc (09022015). Collection method: clinical testing. Allele origin: germline.
Comment: This sequence change creates a premature translational stop signal (p.Gln32*) in the FECH gene. It is expected to result in an absent or disrupted protein product. Loss-of-function variants in FECH are known to be pathogenic (PMID: 20105171, 23016163, 23364466). This variant is present in population databases (no rsID available, gnomAD 0.0009%). This premature translational stop signal has been observed in individual(s) with erythropoietic protoporphyria (PMID: 33021473). For these reasons, this variant has been classified as Pathogenic.

Literature cited by the submitters: PubMed 20105171; PubMed 23016163; PubMed 23364466; PubMed 33021473.

NM_000140.5(FECH):c.94C>T (p.Gln32Ter)

Gene: FECH (ferrochelatase; minus strand). Cytogenetic location: 18q21.31.
Variant type: single nucleotide variant.
Coding change: c.94C>T on transcript NM_000140.5 (MANE Select); coding-DNA position 94, C replaced by T.
Protein change: p.Gln32Ter; replaces glutamine 32 with a stop codon.
Molecular consequence: nonsense. On other transcripts: 5 prime UTR variant (1).
Genome position (GRCh38, 1-based): chr18:57,580,173, G>A on the plus strand (C>T on the coding strand, the complement: FECH is on the minus strand). VCF-style: chr18-57580173-G-A. GRCh37 (hg19) VCF-style: chr18-55247405-G-A.
Other names: c.94C>T, p.Gln32Ter (NM_001012515.4, NM_001371094.1, NM_001374778.1); c.-123C>T (NM_001371095.1); short protein forms Q32*.
Identifiers: ClinVar variation 3653348 (VCV003653348.2).